The following is an entry in ClinVar:

NM_002693.3(POLG):c.208C>T (p.Arg70Trp)

Genes: POLG (DNA polymerase gamma, catalytic subunit; minus strand), POLGARF (POLG alternative reading frame; minus strand). Cytogenetic location: 15q26.1.
Variant type: single nucleotide variant.
Coding change: c.208C>T on transcript NM_002693.3 (MANE Select); coding-DNA position 208, C replaced by T.
Protein change: p.Arg70Trp; replaces arginine 70 with tryptophan.
Molecular consequence: missense variant.
Genome position (GRCh38, 1-based): chr15:89,333,547, G>A on the plus strand (C>T on the coding strand, the complement: POLG is on the minus strand). VCF-style: chr15-89333547-G-A. GRCh37 (hg19) VCF-style: chr15-89876778-G-A.
Other names: c.263C>T, p.Ala88Val (NM_001430120.1); c.208C>T, p.Arg70Trp (NM_001126131.2); short protein forms A88V, R70W.
Identifiers: ClinVar variation 3636658 (VCV003636658.2).
Genomic context (GRCh38, chr15:89,333,547, plus strand): 5'-GCCCGAAGATTTGCTCGTGCAGCCCTCTCGAGAGCATCTGGATGTCCAATGGGTTGTGCC[G>A]CAGCTGCCCGCCCTCCGAGGATAGCACTTGCGGCTGCTGAGGCTGCTGTTGCTGCTGCTG-3'
Protein context (NP_002684.1, residues 60-80): QVLSSEGGQL[Arg70Trp]HNPLDIQMLS

ClinVar aggregate classification (germline): Uncertain significance (1 of 4 stars; one submission).

Conditions:
Progressive sclerosing poliodystrophy (MTDPS4A). Also called: ALPERS PROGRESSIVE INFANTILE POLIODYSTROPHY; NEURONAL DEGENERATION OF CHILDHOOD WITH LIVER DISEASE, PROGRESSIVE; Alpers Syndrome; ALPERS DIFFUSE DEGENERATION OF CEREBRAL GRAY MATTER WITH HEPATIC CIRRHOSIS; Alpers-Huttenlocher Syndrome; Mitochondrial DNA depletion syndrome 4A (Alpers type). Identifiers: Orphanet 726, MedGen C0205710, MONDO:0008758, OMIM 203700.

Submission:

Labcorp Genetics (formerly Invitae), Labcorp
Classification: Uncertain significance for Progressive sclerosing poliodystrophy. Last evaluated: 2024-06-12. Review status: criteria provided, single submitter. Criteria: Invitae Variant Classification Sherloc (09022015). Collection method: clinical testing. Allele origin: germline.
Comment: This sequence change replaces arginine, which is basic and polar, with tryptophan, which is neutral and slightly polar, at codon 70 of the POLG protein (p.Arg70Trp). This variant is not present in population databases (gnomAD no frequency). This variant has not been reported in the literature in individuals affected with POLG-related conditions. Advanced modeling of protein sequence and biophysical properties (such as structural, functional, and spatial information, amino acid conservation, physicochemical variation, residue mobility, and thermodynamic stability) performed at Invitae indicates that this missense variant is expected to disrupt POLG protein function with a positive predictive value of 95%. In summary, the available evidence is currently insufficient to determine the role of this variant in disease. Therefore, it has been classified as a Variant of Uncertain Significance.